The following is an entry in ClinVar:

NM_145698.5(ACBD5):c.661A>G (p.Asn221Asp)

Gene: ACBD5 (acyl-CoA binding domain containing 5; minus strand). Cytogenetic location: 10p12.1.
Variant type: single nucleotide variant.
Coding change: c.661A>G on transcript NM_145698.5 (MANE Select); coding-DNA position 661, A replaced by G.
Protein change: p.Asn221Asp; replaces asparagine 221 with aspartic acid.
Molecular consequence: missense variant. On other transcripts: intron variant (6).
Genome position (GRCh38, 1-based): chr10:27,218,148, T>C on the plus strand (A>G on the coding strand, the complement: ACBD5 is on the minus strand). VCF-style: chr10-27218148-T-C. GRCh37 (hg19) VCF-style: chr10-27507077-T-C.
Other names: c.556A>G, p.Asn186Asp (NM_001042473.4, NM_001352577.2, NM_001352578.2 and 1 more transcripts); c.655A>G, p.Asn219Asp (NM_001271512.3); c.334A>G, p.Asn112Asp (NM_001301251.2, NM_001301252.2, NM_001301253.2 and 2 more transcripts); c.715A>G, p.Asn239Asp (NM_001352568.1); c.694A>G, p.Asn232Asp (NM_001352569.1); c.661A>G, p.Asn221Asp (NM_001352570.1); c.688A>G, p.Asn230Asp (NM_001352571.1); c.682A>G, p.Asn228Asp (NM_001352572.1); and 10 more; short protein forms N112D, N123D, N168D, N186D, N197D, N214D, N219D, N221D.
Identifiers: ClinVar variation 1060973 (VCV001060973.10), dbSNP rs2137385499, ClinGen allele CA376375690.

ClinVar aggregate classification (germline): Uncertain significance (1 of 4 stars; one submission).

Submission:

Labcorp Genetics (formerly Invitae), Labcorp
Classification: Uncertain significance. Last evaluated: 2023-11-20. Review status: criteria provided, single submitter. Criteria: Invitae Variant Classification Sherloc (09022015). Collection method: clinical testing. Allele origin: germline.
Comment: This sequence change replaces asparagine, which is neutral and polar, with aspartic acid, which is acidic and polar, at codon 221 of the ACBD5 protein (p.Asn221Asp). This variant is not present in population databases (gnomAD no frequency). This variant has not been reported in the literature in individuals affected with ACBD5-related conditions. ClinVar contains an entry for this variant (Variation ID: 1060973). Advanced modeling of protein sequence and biophysical properties (such as structural, functional, and spatial information, amino acid conservation, physicochemical variation, residue mobility, and thermodynamic stability) performed at Invitae indicates that this missense variant is not expected to disrupt ACBD5 protein function with a negative predictive value of 80%. In summary, the available evidence is currently insufficient to determine the role of this variant in disease. Therefore, it has been classified as a Variant of Uncertain Significance.